The following is an entry in ClinVar:

ClinVar aggregate classification (germline): Uncertain significance (1 of 4 stars; one submission).

Conditions:
Inborn genetic diseases. Identifiers: MedGen C0950123, MeSH D030342.

Submission:

Ambry Genetics
Classification: Uncertain significance for Inborn genetic diseases. Last evaluated: 2025-09-19. Review status: criteria provided, single submitter. Criteria: Ambry Variant Classification Scheme 2023. Collection method: clinical testing. Allele origin: germline.
Comment: The p.P496T variant (also known as c.1486C>A), located in coding exon 16 of the FANCA gene, results from a C to A substitution at nucleotide position 1486. The proline at codon 496 is replaced by threonine, an amino acid with highly similar properties. This amino acid position is conserved. In addition, this alteration is predicted to be deleterious by in silico analysis. Based on the available evidence, the clinical significance of this variant remains unclear.

NM_000135.4(FANCA):c.1486C>A (p.Pro496Thr)

Gene: FANCA (FA complementation group A; minus strand). Cytogenetic location: 16q24.3.
Variant type: single nucleotide variant.
Coding change: c.1486C>A on transcript NM_000135.4 (MANE Select); coding-DNA position 1486, C replaced by A.
Protein change: p.Pro496Thr; replaces proline 496 with threonine.
Molecular consequence: missense variant.
Genome position (GRCh38, 1-based): chr16:89,783,087, G>T on the plus strand (C>A on the coding strand, the complement: FANCA is on the minus strand). VCF-style: chr16-89783087-G-T. GRCh37 (hg19) VCF-style: chr16-89849495-G-T.
Other names: c.1486C>A, p.Pro496Thr (NM_001286167.3); short protein forms P496T.
Identifiers: ClinVar variation 4619152 (VCV004619152.1).